The following is an entry in ClinVar:

ClinVar aggregate classification (germline): Uncertain significance. Review status: criteria provided, multiple submitters, no conflicts (2 of 4 stars). 3 submissions from 3 submitters: Uncertain significance (3). Last evaluated 2025-07-07.

Conditions:
Hypertrophic cardiomyopathy. Also called: HYPERTROPHIC MYOCARDIOPATHY. Identifiers: Orphanet 217569, MedGen C0007194, MeSH D002312, MONDO:0005045, HP:0001639.

Allele frequency attached by ClinVar (database versions not stated): gnomAD exomes below 0.00001.
gnomAD v4.1: 1 of 1,612,568 alleles (0.000062%); highest among the groups gnomAD compares: Non-Finnish European, 0.000085%; no homozygotes.

Submissions (3):

GeneDx
Classification: Uncertain significance. Last evaluated: 2025-07-07. Review status: criteria provided, single submitter. Criteria: GeneDx Variant Classification Process June 2021. Collection method: clinical testing. Allele origin: germline. Affected: yes.
Comment: Not observed at significant frequency in large population cohorts (gnomAD); In silico analysis supports that this missense variant has a deleterious effect on protein structure/function; Has not been previously published as pathogenic or benign to our knowledge

All of Us Research Program, National Institutes of Health
Classification: Uncertain significance for Hypertrophic cardiomyopathy. Last evaluated: 2024-03-24. Review status: criteria provided, single submitter. Criteria: ACMG Guidelines, 2015. Collection method: clinical testing. Allele origin: germline. Inheritance: Autosomal dominant inheritance. Observed: 1 variant allele, 1 heterozygote.
Comment: This missense variant replaces proline with leucine at codon 329 of the MYBPC3 protein. Computational prediction suggests that this variant may not impact protein structure and function (internally defined REVEL score threshold <= 0.5, PMID: 27666373). To our knowledge, functional studies have not been reported for this variant. This variant has not been reported in individuals affected with MYBPC3-related disorders in the literature. This variant has not been identified in the general population by the Genome Aggregation Database (gnomAD). The available evidence is insufficient to determine the role of this variant in disease conclusively. Therefore, this variant is classified as a Variant of Uncertain Significance.

This study involves interpretation of variants in research participants for the purpose of population health screening. Participant phenotype was not available at the time of variant classification. Additional details can be found in publication PMID: 35346344, PMCID: PMC8962531

Labcorp Genetics (formerly Invitae), Labcorp
Classification: Uncertain significance for Hypertrophic cardiomyopathy. Last evaluated: 2018-08-07. Review status: criteria provided, single submitter. Criteria: Invitae Variant Classification Sherloc (09022015). Collection method: clinical testing. Allele origin: germline.
Comment: In summary, the available evidence is currently insufficient to determine the role of this variant in disease. Therefore, it has been classified as a Variant of Uncertain Significance. Algorithms developed to predict the effect of missense changes on protein structure and function are either unavailable or do not agree on the potential impact of this missense change (SIFT: "Deleterious"; PolyPhen-2: "Benign"; Align-GVGD: "Class C15"). This variant has not been reported in the literature in individuals with MYBPC3-related disease. This variant is not present in population databases (ExAC no frequency). This sequence change replaces proline with leucine at codon 329 of the MYBPC3 protein (p.Pro329Leu). The proline residue is highly conserved and there is a moderate physicochemical difference between proline and leucine.

NM_000256.3(MYBPC3):c.986C>T (p.Pro329Leu)

Gene: MYBPC3 (myosin binding protein C3; minus strand). Cytogenetic location: 11p11.2.
Variant type: single nucleotide variant.
Coding change: c.986C>T on transcript NM_000256.3 (MANE Select); coding-DNA position 986, C replaced by T.
Protein change: p.Pro329Leu; replaces proline 329 with leucine.
Molecular consequence: missense variant.
Genome position (GRCh38, 1-based): chr11:47,346,311, G>A on the plus strand (C>T on the coding strand, the complement: MYBPC3 is on the minus strand). VCF-style: chr11-47346311-G-A. GRCh37 (hg19) VCF-style: chr11-47367862-G-A.
Other names: c.986C>T, p.Pro329Leu (LRG_386t1); short protein forms P329L.
Identifiers: ClinVar variation 659982 (VCV000659982.10), dbSNP rs1595847781, ClinGen allele CA380331582.